The following is an entry in ClinVar:

ClinVar aggregate classification (germline): Pathogenic. Review status: criteria provided, single submitter (1 of 4 stars). 3 submissions from 3 submitters: Pathogenic (1). 2 of the submissions do not count toward it. Last evaluated 2025-04-16.

Conditions:
Tay-Sachs disease (TSD). Also called: HEXA DEFICIENCY; Hexosaminidase A Deficiency; HEXA Disorders; GM2 gangliosidosis, type 1; Hexosaminidase alpha-subunit deficiency (variant B); Sphingolipidosis, Tay-Sachs. Identifiers: Orphanet 845, MedGen C0039373, MONDO:0010100, OMIM 272800.

Submissions (3):

Women's Health and Genetics/Laboratory Corporation of America, LabCorp
Classification: Pathogenic for Tay-Sachs disease. Last evaluated: 2025-04-16. Review status: criteria provided, single submitter. Criteria: LabCorp Variant Classification Summary - May 2015. Collection method: clinical testing. Allele origin: germline.
Comment: Variant summary: HEXA c.-2564_253+5128delinsG is a large deletion-insertion which includes the promoter region of HEXA and the first exon. It is known as the most common allele associated with TSD in Quebec (GeneReviews) and was first described in 2 French Canadian patients by Myerowitz_1986. Later, Hechtman_1990 reported several TSD patients (8 homozygotes and 3 compound heterozygotes) indicating a disease causing impact. The frequency of this variant in the general population could not be determined as the technology used for large population databases (ExAC, gnomAD, ESP, 1000G) cannot detect variants of this type. Based on the evidence outlined above, the variant was classified as pathogenic.

Counsyl
Classification: Likely pathogenic for Tay-Sachs disease. Last evaluated: 2016-02-04. Review status: no assertion criteria provided. Collection method: clinical testing. Allele origin: unknown. Not counted in ClinVar's aggregate classification.

OMIM
Classification: Pathogenic for TAY-SACHS DISEASE. Last evaluated: 1992-04-01. Review status: no assertion criteria provided. Collection method: literature only. Allele origin: germline. Not counted in ClinVar's aggregate classification.

Literature cited by the submitters: PubMed 2220821 (cited by Women's Health and Genetics/Laboratory Corporation of America, LabCorp and OMIM); PubMed 9090523 (cited by Women's Health and Genetics/Laboratory Corporation of America, LabCorp); PubMed 3754980 (cited by Women's Health and Genetics/Laboratory Corporation of America, LabCorp and Counsyl); PubMed 2824459 (cited by Counsyl); PubMed 1577470 (cited by Counsyl and OMIM); PubMed 2933746 (cited by OMIM); PubMed 2953646 (cited by OMIM); PubMed 6236461 (cited by OMIM).

NM_000520.6(HEXA):c.-2564_253+5128delinsG

Genes: HEXA (hexosaminidase subunit alpha; minus strand), HEXA-AS1 (HEXA antisense RNA 1; plus strand), LOC130057475 (ATAC-STARR-seq lymphoblastoid active region 9721; plus strand). Cytogenetic location: 15q23.
Variant type: Indel.
Coding change: c.-2564_253+5128delinsG on transcript NM_000520.6 (MANE Select); 2564 bases upstream of the start codon through 5128 bases into the intron after coding-DNA position 253, the reference bases replaced by G.
Molecular consequence: splice donor variant, initiator codon variant.
Genome position (GRCh38, 1-based): chr15:72,370,592-72,378,536, 7,945 bases replaced. GRCh37 (hg19): chr15:72,662,933-72,670,877.
Other names: 7.6-KB DEL, EX1.
Identifiers: ClinVar variation 3891 (VCV000003891.177), ClinGen allele CA252905.